The following is an entry in ClinVar:

ClinVar aggregate classification (germline): Uncertain significance (1 of 4 stars; one submission).

Submission:

GeneDx
Classification: Uncertain significance. Last evaluated: 2021-02-23. Review status: criteria provided, single submitter. Criteria: GeneDx Variant Classification Process June 2021. Collection method: clinical testing. Allele origin: germline. Affected: yes.
Comment: Not observed in large population cohorts (Lek et al., 2016); In silico analysis supports that this missense variant does not alter protein structure/function; Has not been previously published as pathogenic or benign to our knowledge

NM_005219.5(DIAPH1):c.2685T>G (p.Ile895Met)

Gene: DIAPH1 (diaphanous related formin 1; minus strand). Cytogenetic location: 5q31.3.
Variant type: single nucleotide variant.
Coding change: c.2685T>G on transcript NM_005219.5 (MANE Select); coding-DNA position 2685, T replaced by G.
Protein change: p.Ile895Met; replaces isoleucine 895 with methionine.
Molecular consequence: missense variant.
Genome position (GRCh38, 1-based): chr5:141,529,265, A>C on the plus strand (T>G on the coding strand, the complement: DIAPH1 is on the minus strand). VCF-style: chr5-141529265-A-C. GRCh37 (hg19) VCF-style: chr5-140908832-A-C.
Other names: c.2658T>G, p.Ile886Met (NM_001079812.3); c.2685T>G, p.Ile895Met (NM_001314007.2); short protein forms I886M, I895M.
Identifiers: ClinVar variation 1304536 (VCV001304536.2), dbSNP rs2154595015, ClinGen allele CA361586084.
Genomic context (GRCh38, chr5:141,529,265, plus strand): 5'-ATCATATTCATCCTTCAGTTCAGAAAGCATTTTTAACTGCTCTGGCTCTGGCATTTGCTT[A>C]ATGAGGTTCTGAAAGACAGAAGAGACATCTCAGCTGGAGGGGAATTCGCTAACAACTCAA-3'
Protein context (NP_005210.3, residues 885-905): VLTESMIQNL[Ile895Met]KQMPEPEQLK